The following is an entry in ClinVar:

ClinVar aggregate classification (germline): Pathogenic (1 of 4 stars; one submission).

Conditions:
Hereditary breast ovarian cancer syndrome. Also called: Hereditary breast and ovarian cancer; Breast and ovarian cancer; BRCA1- and BRCA2-Associated Hereditary Breast and Ovarian Cancer; Hereditary breast and/or ovarian cancer syndrome; Hereditary breast and ovarian cancer syndrome; Hereditary breast and ovarian cancer syndrome (HBOC). Identifiers: Orphanet 145, MedGen C0677776, MeSH D061325, MONDO:0003582. Disease mechanism: loss of function.

Submission:

Labcorp Genetics (formerly Invitae), Labcorp
Classification: Pathogenic for Hereditary breast ovarian cancer syndrome. Last evaluated: 2023-07-19. Review status: criteria provided, single submitter. Criteria: Invitae Variant Classification Sherloc (09022015). Collection method: clinical testing. Allele origin: germline.
Comment: For these reasons, this variant has been classified as Pathogenic. This variant disrupts a region of the BRCA1 protein in which other variant(s) (p.Tyr1853*) have been determined to be pathogenic (PMID: 7894493, 10811118, 11739404, 12400015, 20104584, 21922593, 24504028). This suggests that this is a clinically significant region of the protein, and that variants that disrupt it are likely to be disease-causing. This variant is also known as deletion of exon 23. A similar copy number variant has been observed in individual(s) with breast cancer (PMID: 24065545, 28595730). This variant is a gross deletion of the genomic region encompassing exon(s) 22 of the BRCA1 gene. While this deletion is not anticipated to lead to nonsense mediated decay, it is expected to disrupt the C-terminus of the protein.

Literature cited by the submitters: PubMed 7894493; PubMed 10811118; PubMed 11739404; PubMed 12400015; PubMed 20104584; PubMed 21922593; PubMed 24504028; PubMed 24065545; PubMed 28595730.

NC_000017.10:g.(?_41199640)_(41199745_?)del

Gene: BRCA1 (BRCA1 DNA repair associated; minus strand). Cytogenetic location: 17q21.31.
Variant type: Deletion.
Identifiers: ClinVar variation 1076989 (VCV001076989.3).